The following is an entry in ClinVar:

ClinVar aggregate classification (germline): Likely benign. Review status: criteria provided, multiple submitters, no conflicts (2 of 4 stars). 3 submissions from 3 submitters: Likely benign (2). 1 of the submissions does not count toward it. Last evaluated 2019-12-31.

Conditions:
ANPEP-related disorder. Also called: ANPEP-related condition.

Allele frequency attached by ClinVar (database versions not stated): TOPMed 0.00154; ESP Exome Variant Server 0.00146; 1000 Genomes Project 30x 0.00172; gnomAD 0.00178 and 0.00172; ExAC 0.00200; 1000 Genomes Project 0.00180; gnomAD exomes 0.00215.
gnomAD v4.1: 3,140 of 1,614,188 alleles (0.19%); highest among the groups gnomAD compares: South Asian, 0.35%; 7 homozygotes.

Submissions (4):

Labcorp Genetics (formerly Invitae), Labcorp
Classification: Likely benign. Last evaluated: 2019-12-31. Review status: criteria provided, single submitter. Criteria: Invitae Variant Classification Sherloc (09022015). Collection method: clinical testing. Allele origin: germline.

Breakthrough Genomics
Classification: Likely benign. Review status: criteria provided, single submitter. Criteria: ACMG Guidelines, 2015. Collection method: not provided. Allele origin: germline. Inheritance: Unknown mechanism. Affected: yes.

PreventionGenetics, part of Exact Sciences
Classification: Likely benign for ANPEP-related condition. Last evaluated: 2023-02-20. Review status: no assertion criteria provided. Collection method: clinical testing. Allele origin: germline. Not counted in ClinVar's aggregate classification.
Comment: This variant is classified as likely benign based on ACMG/AMP sequence variant interpretation guidelines (Richards et al. 2015 PMID: 25741868, with internal and published modifications).

Dr. Peter K. Rogan Lab, Western University
No classification provided (evidence only). Condition: Ovarian serous cystadenocarcinoma. Review status: no classification provided. Collection method: in vitro. Allele origin: not applicable. Functional consequence: retained intron. Not counted in ClinVar's aggregate classification.

NM_001150.3(ANPEP):c.1265C>G (p.Ala422Gly)

Gene: ANPEP (alanyl aminopeptidase, membrane; minus strand). Cytogenetic location: 15q26.1.
Variant type: single nucleotide variant.
Coding change: c.1265C>G on transcript NM_001150.3 (MANE Select); coding-DNA position 1265, C replaced by G.
Protein change: p.Ala422Gly; replaces alanine 422 with glycine.
Molecular consequence: missense variant.
Genome position (GRCh38, 1-based): chr15:89,803,917, G>C on the plus strand (C>G on the coding strand, the complement: ANPEP is on the minus strand). VCF-style: chr15-89803917-G-C. GRCh37 (hg19) VCF-style: chr15-90347148-G-C.
Other names: NC_000015.9:g.90347148G>C; short protein forms A422G.
Identifiers: ClinVar variation 716129 (VCV000716129.8), dbSNP rs144282919, ClinGen allele CA7731319.